The following is an entry in ClinVar:

ClinVar aggregate classification (germline): Uncertain significance. Review status: criteria provided, multiple submitters, no conflicts (2 of 4 stars). 3 submissions from 3 submitters: Uncertain significance (3). Last evaluated 2024-12-16.

Conditions:
Combined immunodeficiency due to LRBA deficiency. Also called: Common variable immunodeficiency 8, with autoimmunity. Identifiers: Orphanet 445018, MedGen C3553512, MONDO:0013863, OMIM 614700.

Allele frequency attached by ClinVar (database versions not stated): gnomAD exomes 0.00003 and 0.00004; gnomAD 0.00001; ExAC 0.00002; TOPMed 0.00003.
gnomAD v4.1: 63 of 1,613,682 alleles (0.0039%); highest among the groups gnomAD compares: Middle Eastern, 0.049%; no homozygotes.

Submissions (3):

ARUP Laboratories, Molecular Genetics and Genomics, ARUP Laboratories
Classification: Uncertain significance for Combined immunodeficiency due to LRBA deficiency. Last evaluated: 2024-12-16. Review status: criteria provided, single submitter. Criteria: ARUP Molecular Germline Variant Investigation Process 2024. Collection method: clinical testing. Allele origin: germline.
Comment: The LRBA c.6107G>A; p.Gly2036Glu variant (rs778545671), to our knowledge, is not reported in the medical literature but is reported in ClinVar (Variation ID: 498866). This variant is found in the general population with an overall allele frequency of 0.003% (9/282,494 alleles) in the Genome Aggregation Database (v2.1.1). Computational analyses are uncertain whether this variant is neutral or deleterious (REVEL: 0.344). Due to limited information, the clinical significance of this variant is uncertain at this time.

Labcorp Genetics (formerly Invitae), Labcorp
Classification: Uncertain significance for Combined immunodeficiency due to LRBA deficiency. Last evaluated: 2022-08-09. Review status: criteria provided, single submitter. Criteria: Invitae Variant Classification Sherloc (09022015). Collection method: clinical testing. Allele origin: germline.
Comment: This sequence change replaces glycine, which is neutral and non-polar, with glutamic acid, which is acidic and polar, at codon 2036 of the LRBA protein (p.Gly2036Glu). This variant is present in population databases (rs778545671, gnomAD 0.009%). This variant has not been reported in the literature in individuals affected with LRBA-related conditions. ClinVar contains an entry for this variant (Variation ID: 498866). Algorithms developed to predict the effect of missense changes on protein structure and function are either unavailable or do not agree on the potential impact of this missense change (SIFT: "Tolerated"; PolyPhen-2: "Probably Damaging"; Align-GVGD: "Class C0"). In summary, the available evidence is currently insufficient to determine the role of this variant in disease. Therefore, it has been classified as a Variant of Uncertain Significance.

Eurofins Ntd Llc (ga)
Classification: Uncertain significance. Last evaluated: 2017-01-04. Review status: criteria provided, single submitter. Criteria: EGL Classification Definitions 2015. Collection method: clinical testing. Allele origin: germline. Observed: 1 variant allele, 1 heterozygote.

NM_001364905.1(LRBA):c.6074G>A (p.Gly2025Glu)

Gene: LRBA (LPS responsive beige-like anchor protein; minus strand). Cytogenetic location: 4q31.3.
Variant type: single nucleotide variant.
Coding change: c.6074G>A on transcript NM_001364905.1 (MANE Select); coding-DNA position 6074, G replaced by A.
Protein change: p.Gly2025Glu; replaces glycine 2025 with glutamic acid.
Molecular consequence: missense variant.
Genome position (GRCh38, 1-based): chr4:150,590,832, C>T on the plus strand (G>A on the coding strand, the complement: LRBA is on the minus strand). VCF-style: chr4-150590832-C-T. GRCh37 (hg19) VCF-style: chr4-151511984-C-T.
Other names: c.6074G>A, p.Gly2025Glu (NM_001199282.3, NM_001367550.1); c.6107G>A, p.Gly2036Glu (NM_006726.5); short protein forms G2036E, G2025E.
Identifiers: ClinVar variation 498866 (VCV000498866.11), dbSNP rs778545671, ClinGen allele CA3102210.